The following is an entry in ClinVar:

ClinVar aggregate classification (germline): Uncertain significance. Review status: criteria provided, multiple submitters, no conflicts (2 of 4 stars). 4 submissions from 4 submitters: Uncertain significance (4). Last evaluated 2026-04-03.

Conditions:
Cardiovascular phenotype. Identifiers: MedGen CN230736.

Allele frequency attached by ClinVar (database versions not stated): gnomAD 0.00008 and 0.00009; TOPMed 0.00012.

Submissions (4):

Women's Health and Genetics/Laboratory Corporation of America, LabCorp
Classification: Uncertain significance. Last evaluated: 2026-04-03. Review status: criteria provided, single submitter. Criteria: LabCorp Variant Classification Summary - May 2015. Collection method: clinical testing. Allele origin: germline.

Labcorp Genetics (formerly Invitae), Labcorp
Classification: Uncertain significance. Last evaluated: 2026-02-01. Review status: criteria provided, single submitter. Criteria: Invitae Variant Classification Sherloc (09022015). Collection method: clinical testing. Allele origin: germline.
Comment: This sequence change replaces arginine, which is basic and polar, with cysteine, which is neutral and slightly polar, at codon 336 of the ALPK3 protein (p.Arg336Cys). This variant is present in population databases (rs779972206, gnomAD 0.1%). This variant has not been reported in the literature in individuals affected with ALPK3-related conditions. ClinVar contains an entry for this variant (Variation ID: 1522937). An algorithm developed to predict the effect of missense changes on protein structure and function outputs the following: PolyPhen-2: "Benign". The cysteine amino acid residue is found in multiple mammalian species, which suggests that this missense change does not adversely affect protein function. In summary, the available evidence is currently insufficient to determine the role of this variant in disease. Therefore, it has been classified as a Variant of Uncertain Significance.

GeneDx
Classification: Uncertain significance. Last evaluated: 2024-08-21. Review status: criteria provided, single submitter. Criteria: GeneDx Variant Classification Process June 2021. Collection method: clinical testing. Allele origin: germline. Affected: yes.
Comment: Has not been previously published as pathogenic or benign to our knowledge; In silico analysis supports that this missense variant has a deleterious effect on protein structure/function

Ambry Genetics
Classification: Uncertain significance for Cardiovascular phenotype. Last evaluated: 2024-06-27. Review status: criteria provided, single submitter. Criteria: Ambry Variant Classification Scheme 2023. Collection method: clinical testing. Allele origin: germline.
Comment: The p.R336C variant (also known as c.1006C>T), located in coding exon 4 of the ALPK3 gene, results from a C to T substitution at nucleotide position 1006. The arginine at codon 336 is replaced by cysteine, an amino acid with highly dissimilar properties. This amino acid position is not well conserved in available vertebrate species. In addition, this alteration is predicted to be tolerated by in silico analysis. Based on the available evidence, the clinical significance of this variant remains unclear.

NM_020778.5(ALPK3):c.400C>T (p.Arg134Cys)

Gene: ALPK3 (alpha kinase 3; plus strand). Cytogenetic location: 15q25.3.
Variant type: single nucleotide variant.
Coding change: c.400C>T on transcript NM_020778.5 (MANE Select); coding-DNA position 400, C replaced by T.
Protein change: p.Arg134Cys; replaces arginine 134 with cysteine.
Molecular consequence: missense variant.
Genome position (GRCh38, 1-based): chr15:84,839,075, C>T. VCF-style: chr15-84839075-C-T. GRCh37 (hg19) VCF-style: chr15-85382306-C-T.
Other names: short protein forms R134C.
Identifiers: ClinVar variation 1522937 (VCV001522937.11), dbSNP rs779972206, ClinGen allele CA7708954.